The following is an entry in ClinVar:

ClinVar aggregate classification (germline): Uncertain significance (1 of 4 stars; one submission).

Conditions:
Kleefstra syndrome 1 (KLEFS1). Identifiers: Orphanet 261494, MedGen C0795833, MONDO:0027407, OMIM 610253.

Submission:

Labcorp Genetics (formerly Invitae), Labcorp
Classification: Uncertain significance for Kleefstra syndrome 1. Last evaluated: 2025-11-24. Review status: criteria provided, single submitter. Criteria: Invitae Variant Classification Sherloc (09022015). Collection method: clinical testing. Allele origin: germline.
Comment: This sequence change replaces lysine, which is basic and polar, with asparagine, which is neutral and polar, at codon 129 of the EHMT1 protein (p.Lys129Asn). This variant is not present in population databases (gnomAD no frequency). This variant has not been reported in the literature in individuals affected with EHMT1-related conditions. An algorithm developed to predict the effect of missense changes on protein structure and function (PolyPhen-2) suggests that this variant is likely to be disruptive. In summary, the available evidence is currently insufficient to determine the role of this variant in disease. Therefore, it has been classified as a Variant of Uncertain Significance.

NM_024757.5(EHMT1):c.387G>T (p.Lys129Asn)

Gene: EHMT1 (euchromatic histone lysine methyltransferase 1; plus strand). Cytogenetic location: 9q34.3.
Variant type: single nucleotide variant.
Coding change: c.387G>T on transcript NM_024757.5 (MANE Select); coding-DNA position 387, G replaced by T.
Protein change: p.Lys129Asn; replaces lysine 129 with asparagine.
Molecular consequence: missense variant.
Genome position (GRCh38, 1-based): chr9:137,716,927, G>T. VCF-style: chr9-137716927-G-T. GRCh37 (hg19) VCF-style: chr9-140611379-G-T.
Other names: c.387G>T, p.Lys129Asn (NM_001145527.2, NM_001354263.2, NM_001354611.2); c.294G>T, p.Lys98Asn (NM_001354259.2, NM_001354612.2); short protein forms K98N, K129N.
Identifiers: ClinVar variation 4772869 (VCV004772869.1).